The following is an entry in ClinVar:

NM_001003694.2(BRPF1):c.1149G>T (p.Lys383Asn)

Gene: BRPF1 (bromodomain and PHD finger containing 1; plus strand). Cytogenetic location: 3p25.3.
Variant type: single nucleotide variant.
Coding change: c.1149G>T on transcript NM_001003694.2 (MANE Select); coding-DNA position 1149, G replaced by T.
Protein change: p.Lys383Asn; replaces lysine 383 with asparagine.
Molecular consequence: missense variant. On other transcripts: non-coding transcript variant (1).
Genome position (GRCh38, 1-based): chr3:9,739,548, G>T. VCF-style: chr3-9739548-G-T. GRCh37 (hg19) VCF-style: chr3-9781232-G-T.
Other names: c.1149G>T, p.Lys383Asn (NM_001319049.2, NM_001319050.2, NM_001410704.1 and 7 more transcripts); short protein forms K383N.
Identifiers: ClinVar variation 4282088 (VCV004282088.1).

ClinVar aggregate classification (germline): Uncertain significance (1 of 4 stars; one submission).

Submission:

GeneDx
Classification: Uncertain significance. Last evaluated: 2025-04-10. Review status: criteria provided, single submitter. Criteria: GeneDx Variant Classification Process June 2021. Collection method: clinical testing. Allele origin: germline. Affected: yes.
Comment: Not observed at significant frequency in large population cohorts (gnomAD); In silico analysis supports that this missense variant has a deleterious effect on protein structure/function; Has not been previously published as pathogenic or benign to our knowledge